The following is an entry in ClinVar:

ClinVar aggregate classification (germline): Uncertain significance. Review status: criteria provided, multiple submitters, no conflicts (2 of 4 stars). 2 submissions from 2 submitters: Uncertain significance (2). Last evaluated 2025-10-08.

Allele frequency attached by ClinVar (database versions not stated): TOPMed below 0.00001; ExAC 0.00001; gnomAD exomes 0.00001.
gnomAD v4.1: 18 of 1,606,578 alleles (0.0011%); highest among the groups gnomAD compares: Non-Finnish European, 0.0014%; no homozygotes.

Submissions (2):

Labcorp Genetics (formerly Invitae), Labcorp
Classification: Uncertain significance. Last evaluated: 2025-10-08. Review status: criteria provided, single submitter. Criteria: Invitae Variant Classification Sherloc (09022015). Collection method: clinical testing. Allele origin: germline.
Comment: This sequence change replaces glycine, which is neutral and non-polar, with valine, which is neutral and non-polar, at codon 358 of the POC5 protein (p.Gly358Val). The frequency data for this variant in the population databases is considered unreliable, as metrics indicate poor data quality at this position in the gnomAD database. This variant has not been reported in the literature in individuals affected with POC5-related conditions. ClinVar contains an entry for this variant (Variation ID: 2186085). An algorithm developed to predict the effect of missense changes on protein structure and function (PolyPhen-2) suggests that this variant is likely to be disruptive. In summary, the available evidence is currently insufficient to determine the role of this variant in disease. Therefore, it has been classified as a Variant of Uncertain Significance.

Ambry Genetics
Classification: Uncertain significance. Last evaluated: 2025-05-26. Review status: criteria provided, single submitter. Criteria: Ambry Variant Classification Scheme 2023. Collection method: clinical testing. Allele origin: germline.

NM_001099271.2(POC5):c.1073G>T (p.Gly358Val)

Gene: POC5 (POC5 centriolar protein; minus strand). Cytogenetic location: 5q13.3.
Variant type: single nucleotide variant.
Coding change: c.1073G>T on transcript NM_001099271.2 (MANE Select); coding-DNA position 1073, G replaced by T.
Protein change: p.Gly358Val; replaces glycine 358 with valine.
Molecular consequence: missense variant.
Genome position (GRCh38, 1-based): chr5:75,689,068, C>A on the plus strand (G>T on the coding strand, the complement: POC5 is on the minus strand). VCF-style: chr5-75689068-C-A. GRCh37 (hg19) VCF-style: chr5-74984893-C-A.
Other names: c.998G>T, p.Gly333Val (NM_152408.3); c.1073G>T (NM_001099271.1); short protein forms G358V, G333V.
Identifiers: ClinVar variation 2186085 (VCV002186085.5), dbSNP rs770607711, ClinGen allele CA3310413.